The following is an entry in ClinVar:

NM_174916.3(UBR1):c.4277C>T (p.Pro1426Leu)

Gene: UBR1 (ubiquitin protein ligase E3 component n-recognin 1; minus strand). Cytogenetic location: 15q15.2.
Variant type: single nucleotide variant.
Coding change: c.4277C>T on transcript NM_174916.3 (MANE Select); coding-DNA position 4277, C replaced by T.
Protein change: p.Pro1426Leu; replaces proline 1426 with leucine.
Molecular consequence: missense variant.
Genome position (GRCh38, 1-based): chr15:42,976,809, G>A on the plus strand (C>T on the coding strand, the complement: UBR1 is on the minus strand). VCF-style: chr15-42976809-G-A. GRCh37 (hg19) VCF-style: chr15-43269007-G-A.
Other names: short protein forms P1426L.
Identifiers: ClinVar variation 3384802 (VCV003384802.1).

ClinVar aggregate classification (germline): Uncertain significance (1 of 4 stars; one submission).

gnomAD v4.1: 10 of 1,614,064 alleles (0.00062%); highest among the groups gnomAD compares: Non-Finnish European, 0.00085%; no homozygotes.

Submission:

Women's Health and Genetics/Laboratory Corporation of America, LabCorp
Classification: Uncertain significance. Last evaluated: 2024-10-09. Review status: criteria provided, single submitter. Criteria: LabCorp Variant Classification Summary - May 2015. Collection method: clinical testing. Allele origin: germline.
Comment: Variant summary: UBR1 c.4277C>T (p.Pro1426Leu) results in a non-conservative amino acid change located in the E3 ubiquitin-protein ligase UBR-like, C-terminal domain (IPR044046) of the encoded protein sequence. Four of five in-silico tools predict a damaging effect of the variant on protein function. The variant was absent in 251368 control chromosomes. The available data on variant occurrences in the general population are insufficient to allow any conclusion about variant significance. c.4277C>T has been reported in the literature in the presumed compound heterozygous state in at least 1 individual affected with Johanson-Blizzard Syndrome (example, Sukalo_2014). These data do not allow any conclusion about variant significance. To our knowledge, no experimental evidence demonstrating an impact on protein function has been reported. The following publication has been ascertained in the context of this evaluation (PMID: 24599544). No submitters have cited clinical-significance assessments for this variant to ClinVar. Based on the evidence outlined above, the variant was classified as uncertain significance.

Literature cited by the submitters: PubMed 24599544.